The following is an entry in ClinVar:

ClinVar aggregate classification (germline): Conflicting classifications of pathogenicity. Review status: criteria provided, conflicting classifications (1 of 4 stars). 5 submissions from 5 submitters: Pathogenic (1); Likely pathogenic (1); Uncertain significance (2). 1 of the submissions does not count toward it. Last evaluated 2026-08-28.

Conditions:
USH2A-related disorder. Also called: USH2A-related condition; USH2A-related disorders. Identifiers: MedGen CN239332.
Inborn genetic diseases. Identifiers: MedGen C0950123, MeSH D030342.
Usher syndrome type 2A. Also called: RETINAL DISEASE IN USHER SYNDROME TYPE IIA, MODIFIER OF; USHER SYNDROME, TYPE IIA. Identifiers: Orphanet 231178, Orphanet 886, MedGen C1848634, MONDO:0010169, OMIM 276901.

Allele frequency attached by ClinVar (database versions not stated): 1000 Genomes Project 30x 0.00062; gnomAD 0.00001 and 0.00003; ExAC 0.00002; gnomAD exomes below 0.00001; TOPMed 0.00002; 1000 Genomes Project 0.00060.
gnomAD v4.1: 9 of 1,614,154 alleles (0.00056%); highest among the groups gnomAD compares: African/African-American, 0.011%; no homozygotes.

Submissions (5):

Ambry Genetics
Classification: Uncertain significance for Inborn genetic diseases. Last evaluated: 2026-08-28. Review status: criteria provided, single submitter. Criteria: Ambry Variant Classification Scheme 2023. Collection method: clinical testing. Allele origin: germline.
Comment: The c.12958G>C (p.D4320H) alteration is located in exon 63 (coding exon 62) of the USH2A gene. This alteration results from a G to C substitution at nucleotide position 12958, causing the aspartic acid (D) at amino acid position 4320 to be replaced by a histidine (H). Based on data from gnomAD, the C allele has an overall frequency of 0.001% (2/282186) total alleles studied. The highest observed frequency was 0.008% (2/24960) of African alleles. This amino acid position is highly conserved in available vertebrate species. The in silico prediction for this alteration is inconclusive. Based on insufficient or conflicting evidence, the clinical significance of this alteration remains unclear.

Labcorp Genetics (formerly Invitae), Labcorp
Classification: Pathogenic. Last evaluated: 2025-11-17. Review status: criteria provided, single submitter. Criteria: Invitae Variant Classification Sherloc (09022015). Collection method: clinical testing. Allele origin: germline.
Comment: This sequence change replaces aspartic acid, which is acidic and polar, with histidine, which is basic and polar, at codon 4320 of the USH2A protein (p.Asp4320His). This variant is present in population databases (rs140202956, gnomAD 0.02%). This missense change has been observed in individuals with clinical features of Usher syndrome and inherited retinal dystrophy (internal data). ClinVar contains an entry for this variant (Variation ID: 860622). Invitae Evidence Modeling of protein sequence and biophysical properties (such as structural, functional, and spatial information, amino acid conservation, physicochemical variation, residue mobility, and thermodynamic stability) has been performed for this missense variant. However, the output from this modeling did not meet the statistical confidence thresholds required to predict the impact of this variant on USH2A protein function. This variant disrupts the p.Asp4320 amino acid residue in USH2A. Other variant(s) that disrupt this residue have been observed in individuals with USH2A-related conditions (internal data), which suggests that this may be a clinically significant amino acid residue. For these reasons, this variant has been classified as Pathogenic.

PreventionGenetics, part of Exact Sciences
Classification: Uncertain significance for USH2A-related condition. Last evaluated: 2025-08-12. Review status: criteria provided, single submitter. Criteria: ACMG Guidelines, 2015. Collection method: clinical testing. Allele origin: germline.
Comment: The USH2A c.12958G>C variant is predicted to result in the amino acid substitution p.Asp4320His. To our knowledge, this variant has not been reported in the literature. This variant was reported by one submitter in ClinVar in an individual with clinical features of Usher syndrome and inherited retinal dystrophy. An alternative variant at the same codon (p.Asp4320Asn) has been observed by the same ClinVar submitter in trans with a pathogenic variant in an individual with retinitis pigmentosa. The p.Asp4320His variant is reported in 0.0080% of alleles in individuals of African descent in gnomAD). Although we suspect that this variant may be pathogenic, at this time, the clinical significance of this variant is uncertain due to the absence of conclusive functional and genetic evidence.

Blueprint Genetics
Classification: Likely pathogenic for USH2A-related disorders. Last evaluated: 2022-11-30. Review status: criteria provided, single submitter. Criteria: ACMG Guidelines, 2015. Collection method: clinical testing. Allele origin: germline. Affected: yes. Observed: 5 variant alleles.

Natera, Inc.
Classification: Uncertain significance for Usher syndrome type 2A. Last evaluated: 2021-01-13. Review status: no assertion criteria provided. Collection method: clinical testing. Allele origin: germline. Not counted in ClinVar's aggregate classification.

NM_206933.4(USH2A):c.12958G>C (p.Asp4320His)

Gene: USH2A (usherin; minus strand). Cytogenetic location: 1q41.
Variant type: single nucleotide variant.
Coding change: c.12958G>C on transcript NM_206933.4 (MANE Select); coding-DNA position 12958, G replaced by C.
Protein change: p.Asp4320His; replaces aspartic acid 4320 with histidine.
Molecular consequence: missense variant.
Genome position (GRCh38, 1-based): chr1:215,674,953, C>G on the plus strand (G>C on the coding strand, the complement: USH2A is on the minus strand). VCF-style: chr1-215674953-C-G. GRCh37 (hg19) VCF-style: chr1-215848295-C-G.
Other names: short protein forms D4320H.
Identifiers: ClinVar variation 860622 (VCV000860622.12), dbSNP rs140202956, ClinGen allele CA1393380.